The following is an entry in ClinVar:

NM_032043.3(BRIP1):c.1314A>G (p.Leu438=)

Gene: BRIP1 (BRCA1 interacting DNA helicase 1; minus strand). Cytogenetic location: 17q23.2.
Variant type: single nucleotide variant.
Coding change: c.1314A>G on transcript NM_032043.3 (MANE Select); coding-DNA position 1314, A replaced by G.
Protein change: p.Leu438=; no amino-acid change (leucine 438 retained).
Molecular consequence: synonymous variant.
Genome position (GRCh38, 1-based): chr17:61,799,126, T>C on the plus strand (A>G on the coding strand, the complement: BRIP1 is on the minus strand). VCF-style: chr17-61799126-T-C. GRCh37 (hg19) VCF-style: chr17-59876487-T-C.
Identifiers: ClinVar variation 510821 (VCV000510821.14), dbSNP rs1291435424, ClinGen allele CA501151469.

ClinVar aggregate classification (germline): Likely benign. Review status: criteria provided, multiple submitters, no conflicts (2 of 4 stars). 3 submissions from 3 submitters: Likely benign (3). Last evaluated 2022-07-08.

Conditions:
Familial cancer of breast. Also called: BREAST CANCER, FAMILIAL; Hereditary breast cancer; hereditary breast carcinoma. Identifiers: Orphanet 227535, MedGen C0346153, MONDO:0016419, OMIM 114480. Disease mechanism: loss of function.
Fanconi anemia complementation group J. Also called: BRIP1-Related Fanconi Anemia. Identifiers: Orphanet 84, MedGen C1836860, MONDO:0012187, OMIM 609054.
Hereditary cancer-predisposing syndrome. Also called: Hereditary Cancer Syndrome; Tumor predisposition; Neoplastic Syndromes, Hereditary; Hereditary neoplastic syndrome. Identifiers: Orphanet 140162, MedGen C0027672, MeSH D009386, MONDO:0015356.

Allele frequency attached by ClinVar (database versions not stated): gnomAD exomes below 0.00001; gnomAD 0.00001 and 0.00003.
gnomAD v4.1: 3 of 1,613,436 alleles (0.00019%); highest among the groups gnomAD compares: African/African-American, 0.0013%; no homozygotes.

Submissions (3):

Labcorp Genetics (formerly Invitae), Labcorp
Classification: Likely benign for Familial cancer of breast; Fanconi anemia complementation group J. Last evaluated: 2022-07-08. Review status: criteria provided, single submitter. Criteria: Invitae Variant Classification Sherloc (09022015). Collection method: clinical testing. Allele origin: germline.

Ambry Genetics
Classification: Likely benign for Hereditary cancer-predisposing syndrome. Last evaluated: 2022-03-04. Review status: criteria provided, single submitter. Criteria: Ambry Variant Classification Scheme 2023. Collection method: clinical testing. Allele origin: germline.

GeneDx
Classification: Likely benign. Last evaluated: 2017-07-10. Review status: criteria provided, single submitter. Criteria: GeneDx Variant Classification (06012015). Collection method: clinical testing. Allele origin: germline. Affected: yes.
Comment: This variant is considered likely benign or benign based on one or more of the following criteria: it is a conservative change, it occurs at a poorly conserved position in the protein, it is predicted to be benign by multiple in silico algorithms, and/or has population frequency not consistent with disease.